The following is an entry in ClinVar:

ClinVar aggregate classification (germline): Uncertain significance (1 of 4 stars; one submission).

Conditions:
Neurodevelopmental disorder with or without hyperkinetic movements and seizures, autosomal dominant. Also called: Intellectual disability, autosomal dominant 8. Identifiers: MedGen C3280282, MONDO:0013655, OMIM 614254.

gnomAD v4.1: 1 of 1,603,808 alleles (0.000062%); highest among the groups gnomAD compares: Non-Finnish European, 0.000085%; no homozygotes.

Submission:

Labcorp Genetics (formerly Invitae), Labcorp
Classification: Uncertain significance for Neurodevelopmental disorder with or without hyperkinetic movements and seizures, autosomal dominant. Last evaluated: 2024-04-01. Review status: criteria provided, single submitter. Criteria: Invitae Variant Classification Sherloc (09022015). Collection method: clinical testing. Allele origin: germline.
Comment: This sequence change replaces arginine, which is basic and polar, with cysteine, which is neutral and slightly polar, at codon 187 of the GRIN1 protein (p.Arg187Cys). This variant is not present in population databases (gnomAD no frequency). This variant has not been reported in the literature in individuals affected with GRIN1-related conditions. ClinVar contains an entry for this variant (Variation ID: 1912044). Advanced modeling of protein sequence and biophysical properties (such as structural, functional, and spatial information, amino acid conservation, physicochemical variation, residue mobility, and thermodynamic stability) has been performed at Invitae for this missense variant, however the output from this modeling did not meet the statistical confidence thresholds required to predict the impact of this variant on GRIN1 protein function. In summary, the available evidence is currently insufficient to determine the role of this variant in disease. Therefore, it has been classified as a Variant of Uncertain Significance.

NM_007327.4(GRIN1):c.559C>T (p.Arg187Cys)

Gene: GRIN1 (glutamate ionotropic receptor NMDA type subunit 1; plus strand). Cytogenetic location: 9q34.3.
Variant type: single nucleotide variant.
Coding change: c.559C>T on transcript NM_007327.4 (MANE Select); coding-DNA position 559, C replaced by T.
Protein change: p.Arg187Cys; replaces arginine 187 with cysteine.
Molecular consequence: missense variant.
Genome position (GRCh38, 1-based): chr9:137,145,891, C>T. VCF-style: chr9-137145891-C-T. GRCh37 (hg19) VCF-style: chr9-140040343-C-T.
Other names: c.559C>T, p.Arg187Cys (NM_000832.7, NM_001185090.2, NM_001185091.2 and 1 more transcripts); short protein forms R187C.
Identifiers: ClinVar variation 1912044 (VCV001912044.5), dbSNP rs2538533825, ClinGen allele CA375714184.